The following is an entry in ClinVar:

ClinVar aggregate classification (germline): Uncertain significance (1 of 4 stars; one submission).

Submission:

GeneDx
Classification: Uncertain significance. Last evaluated: 2026-03-23. Review status: criteria provided, single submitter. Criteria: GeneDx Variant Classification Process June 2021. Collection method: clinical testing. Allele origin: germline.
Comment: Not observed at significant frequency in large population cohorts (gnomAD); In silico analysis supports that this missense variant has a deleterious effect on protein structure/function; Has not been previously published as pathogenic or benign to our knowledge

NM_001080421.3(UNC13A):c.3062G>C (p.Arg1021Pro)

Gene: UNC13A (unc-13 homolog A; minus strand). Cytogenetic location: 19p13.11.
Variant type: single nucleotide variant.
Coding change: c.3062G>C on transcript NM_001080421.3 (MANE Select); coding-DNA position 3062, G replaced by C.
Protein change: p.Arg1021Pro; replaces arginine 1021 with proline.
Molecular consequence: missense variant.
Genome position (GRCh38, 1-based): chr19:17,639,102, C>G on the plus strand (G>C on the coding strand, the complement: UNC13A is on the minus strand). VCF-style: chr19-17639102-C-G. GRCh37 (hg19) VCF-style: chr19-17749911-C-G.
Other names: c.3056G>C, p.Arg1019Pro (NM_001387021.1, NM_001387022.1, NM_001387023.1); short protein forms R1019P, R1021P.
Identifiers: ClinVar variation 5017316 (VCV005017316.1).